The following is an entry in ClinVar:

ClinVar aggregate classification (germline): Likely pathogenic (1 of 4 stars; one submission).

Conditions:
Polycystic liver disease 2 (PCLD2). Also called: Polycystic liver disease 2 with or without kidney cysts. Identifiers: Orphanet 2924, MedGen C4310769, MONDO:0014860, OMIM 617004.

gnomAD v4.1: 1 of 1,613,200 alleles (0.000062%); highest among the groups gnomAD compares: South Asian, 0.0011%; no homozygotes.

Submission:

3billion
Classification: Likely pathogenic for Polycystic liver disease 2. Last evaluated: 2025-12-17. Review status: criteria provided, single submitter. Criteria: ACMG Guidelines, 2015. Collection method: clinical testing. Allele origin: germline. Affected: yes.
Comment: The variant is observed at an extremely low frequency in the gnomAD v4.1.0 dataset (total allele frequency: <0.001%). Predicted Consequence/Location: Stop-gained (nonsense): predicted to result in a loss or disruption of normal protein function through nonsense-mediated decay (NMD) or protein truncation. Multiple pathogenic variants are reported downstream of the variant. Therefore, this variant is classified as Likely pathogenic according to the recommendation of ACMG/AMP guideline.

NM_007214.5(SEC63):c.685C>T (p.Gln229Ter)

Gene: SEC63 (SEC63 protein translocation regulator; minus strand). Cytogenetic location: 6q21.
Variant type: single nucleotide variant.
Coding change: c.685C>T on transcript NM_007214.5 (MANE Select); coding-DNA position 685, C replaced by T.
Protein change: p.Gln229Ter; replaces glutamine 229 with a stop codon.
Molecular consequence: nonsense.
Genome position (GRCh38, 1-based): chr6:107,908,975, G>A on the plus strand (C>T on the coding strand, the complement: SEC63 is on the minus strand). VCF-style: chr6-107908975-G-A. GRCh37 (hg19) VCF-style: chr6-108230179-G-A.
Other names: short protein forms Q229*.
Identifiers: ClinVar variation 4854538 (VCV004854538.1).